The following is an entry in ClinVar:

ClinVar aggregate classification (germline): Conflicting classifications of pathogenicity. Review status: criteria provided, conflicting classifications (1 of 4 stars). 4 submissions from 4 submitters: Uncertain significance (1); Benign (1); Likely benign (2). Last evaluated 2026-02-09.

Conditions:
TNPO3-related disorder. Also called: TNPO3-related condition.
Autosomal dominant limb-girdle muscular dystrophy type 1F (LGMDD2). Also called: Limb-girdle muscular dystrophy, type 1F; MUSCULAR DYSTROPHY, LIMB-GIRDLE, AUTOSOMAL DOMINANT 2. Identifiers: Orphanet 55595, MedGen C1842062, MONDO:0012034, OMIM 608423.

Allele frequency attached by ClinVar (database versions not stated): gnomAD exomes 0.00010; ExAC 0.00014; 1000 Genomes Project 30x 0.00031; ESP Exome Variant Server 0.00038; 1000 Genomes Project 0.00040; TOPMed 0.00045; gnomAD 0.00048.
gnomAD v4.1: 135 of 1,613,336 alleles (0.0084%); highest among the groups gnomAD compares: African/African-American, 0.13%; no homozygotes.

Submissions (4):

PreventionGenetics, part of Exact Sciences
Classification: Likely benign for TNPO3-related condition. Last evaluated: 2026-02-09. Review status: criteria provided, single submitter. Criteria: ACMG Guidelines, 2015. Collection method: clinical testing. Allele origin: germline.
Comment: This variant is classified as likely benign based on ACMG/AMP sequence variant interpretation guidelines (Richards et al. 2015 PMID: 25741868, with internal and published modifications).

Labcorp Genetics (formerly Invitae), Labcorp
Classification: Benign for Autosomal dominant limb-girdle muscular dystrophy type 1F. Last evaluated: 2025-12-22. Review status: criteria provided, single submitter. Criteria: Invitae Variant Classification Sherloc (09022015). Collection method: clinical testing. Allele origin: germline.

GeneDx
Classification: Likely benign. Last evaluated: 2017-10-27. Review status: criteria provided, single submitter. Criteria: GeneDx Variant Classification (06012015). Collection method: clinical testing. Allele origin: germline. Affected: yes.
Comment: This variant is considered likely benign or benign based on one or more of the following criteria: it is a conservative change, it occurs at a poorly conserved position in the protein, it is predicted to be benign by multiple in silico algorithms, and/or has population frequency not consistent with disease.

Eurofins Ntd Llc (ga)
Classification: Uncertain significance. Last evaluated: 2017-09-13. Review status: criteria provided, single submitter. Criteria: EGL Classification Definitions 2015. Collection method: clinical testing. Allele origin: germline. Observed: 4 variant alleles, 4 heterozygotes.

NM_012470.4(TNPO3):c.120+9C>A

Gene: TNPO3 (transportin 3; minus strand). Cytogenetic location: 7q32.1.
Variant type: single nucleotide variant.
Coding change: c.120+9C>A on transcript NM_012470.4 (MANE Select); 9 bases into the intron after coding-DNA position 120, C replaced by A.
Molecular consequence: intron variant.
Genome position (GRCh38, 1-based): chr7:129,054,642, G>T on the plus strand (C>A on the coding strand, the complement: TNPO3 is on the minus strand). VCF-style: chr7-129054642-G-T. GRCh37 (hg19) VCF-style: chr7-128694696-G-T.
Other names: c.120+9C>A (NM_001382221.1, NM_001382222.1, NM_001382219.1 and 6 more transcripts).
Identifiers: ClinVar variation 390662 (VCV000390662.15), dbSNP rs372906002, ClinGen allele CA4478468.